The following is an entry in ClinVar:

NM_001371395.1(USP53):c.2521T>G (p.Leu841Val)

Gene: USP53 (ubiquitin specific peptidase 53; plus strand). Cytogenetic location: 4q26.
Variant type: single nucleotide variant.
Coding change: c.2521T>G on transcript NM_001371395.1 (MANE Select); coding-DNA position 2521, T replaced by G.
Protein change: p.Leu841Val; replaces leucine 841 with valine.
Molecular consequence: missense variant. On other transcripts: 3 prime UTR variant (4).
Genome position (GRCh38, 1-based): chr4:119,292,510, T>G. VCF-style: chr4-119292510-T-G. GRCh37 (hg19) VCF-style: chr4-120213665-T-G.
Other names: c.2173T>G, p.Leu725Val (NM_001389663.1, NM_001389664.1, NM_001389662.1); c.2020T>G, p.Leu674Val (NM_001389665.1); c.*21T>G (NM_001389666.1, NM_001389667.1, NM_001371397.1 and 1 more transcripts); c.2521T>G, p.Leu841Val (NM_019050.3, NM_001371399.1, NM_001389658.1 and 1 more transcripts); c.2368T>G, p.Leu790Val (NM_001371396.1, NM_001389661.1); c.2371T>G, p.Leu791Val (NM_001389660.1); short protein forms L790V, L841V, L674V, L725V, L791V.
Identifiers: ClinVar variation 5031654 (VCV005031654.1).

ClinVar aggregate classification (germline): Uncertain significance (1 of 4 stars; one submission).

Conditions:
Inborn genetic diseases. Identifiers: MedGen C0950123, MeSH D030342.

gnomAD v4.1: 92 of 1,613,986 alleles (0.0057%); highest among the groups gnomAD compares: East Asian, 0.2%; no homozygotes.

Submission:

Ambry Genetics
Classification: Uncertain significance for Inborn genetic diseases. Last evaluated: 2026-07-13. Review status: criteria provided, single submitter. Criteria: Ambry Variant Classification Scheme 2023. Collection method: clinical testing. Allele origin: germline.
Comment: The c.2521T>G (p.L841V) alteration is located in exon 18 (coding exon 15) of the USP53 gene. This alteration results from a T to G substitution at nucleotide position 2521, causing the leucine (L) at amino acid position 841 to be replaced by a valine (V). Based on data from gnomAD, the G allele has an overall frequency of 0.001% (2/249236) total alleles studied. The highest observed frequency was 0.011% (2/17978) of East Asian alleles. Based on insufficient or conflicting evidence, the clinical significance of this alteration remains unclear.